The following is an entry in ClinVar:

ClinVar aggregate classification (germline): Uncertain significance. Review status: criteria provided, multiple submitters, no conflicts (2 of 4 stars). 3 submissions from 3 submitters: Uncertain significance (2). 1 of the submissions does not count toward it. Last evaluated 2025-11-06.

Conditions:
Cardiovascular phenotype. Identifiers: MedGen CN230736.
Hypertrophic cardiomyopathy. Also called: HYPERTROPHIC MYOCARDIOPATHY. Identifiers: Orphanet 217569, MedGen C0007194, MeSH D002312, MONDO:0005045, HP:0001639.

Submissions (3):

Labcorp Genetics (formerly Invitae), Labcorp
Classification: Uncertain significance for Hypertrophic cardiomyopathy. Last evaluated: 2025-11-06. Review status: criteria provided, single submitter. Criteria: Invitae Variant Classification Sherloc (09022015). Collection method: clinical testing. Allele origin: germline.
Comment: This sequence change replaces methionine, which is neutral and non-polar, with threonine, which is neutral and polar, at codon 201 of the TNNI3 protein (p.Met201Thr). This variant is not present in population databases (gnomAD no frequency). This missense change has been observed in individual(s) with hypertrophic cardiomyopathy (PMID: 21533915, 27532257, 28771489, 37652022). ClinVar contains an entry for this variant (Variation ID: 177863). An algorithm developed to predict the effect of missense changes on protein structure and function (PolyPhen-2) suggests that this variant is likely to be disruptive. In summary, the available evidence is currently insufficient to determine the role of this variant in disease. Therefore, it has been classified as a Variant of Uncertain Significance.

Ambry Genetics
Classification: Uncertain significance for Cardiovascular phenotype. Last evaluated: 2024-12-23. Review status: criteria provided, single submitter. Criteria: Ambry Variant Classification Scheme 2023. Collection method: clinical testing. Allele origin: germline.
Comment: The p.M201T variant (also known as c.602T>C), located in coding exon 8 of the TNNI3 gene, results from a T to C substitution at nucleotide position 602. The methionine at codon 201 is replaced by threonine, an amino acid with similar properties. This variant was reported in individual(s) with features consistent with hypertrophic cardiomyopathy (HCM) (van den Wijngaard A et al. Neth Heart J, 2011 Aug;19:344-51; Mademont-Soler I et al. PLoS One, 2017 Aug;12:e0181465; Walsh R et al. Genet Med, 2017 Feb;19:192-203; Ambry internal data). This amino acid position is highly conserved in available vertebrate species. In addition, this alteration is predicted to be deleterious by in silico analysis. Based on the available evidence, the clinical significance of this variant remains unclear.

Laboratory for Molecular Medicine, Mass General Brigham Personalized Medicine
Classification: Likely pathogenic for Hypertrophic cardiomyopathy. Last evaluated: 2013-02-13. Review status: no assertion criteria provided. Collection method: clinical testing. Allele origin: germline. Observed: 1 variant allele. Not counted in ClinVar's aggregate classification.
Comment: proposed classification - variant undergoing re-assessment, contact laboratory

Literature cited by the submitters: PubMed 21533915 (cited by 3 submitters); PubMed 27532257 (cited by Labcorp Genetics (formerly Invitae), Labcorp and Ambry Genetics); PubMed 28771489 (cited by Labcorp Genetics (formerly Invitae), Labcorp and Ambry Genetics); PubMed 37652022 (cited by Labcorp Genetics (formerly Invitae), Labcorp).

NM_000363.5(TNNI3):c.602T>C (p.Met201Thr)

Gene: TNNI3 (troponin I3, cardiac type; minus strand). Cytogenetic location: 19q13.42.
Variant type: single nucleotide variant.
Coding change: c.602T>C on transcript NM_000363.5 (MANE Select); coding-DNA position 602, T replaced by C.
Protein change: p.Met201Thr; replaces methionine 201 with threonine.
Molecular consequence: missense variant.
Genome position (GRCh38, 1-based): chr19:55,151,865, A>G on the plus strand (T>C on the coding strand, the complement: TNNI3 is on the minus strand). VCF-style: chr19-55151865-A-G. GRCh37 (hg19) VCF-style: chr19-55663233-A-G.
Other names: short protein forms M201T.
Identifiers: ClinVar variation 177863 (VCV000177863.13), dbSNP rs727504365, ClinGen allele CA022037.